The following is an entry in ClinVar:

ClinVar aggregate classification (germline): Uncertain significance. Review status: criteria provided, multiple submitters, no conflicts (2 of 4 stars). 2 submissions from 2 submitters: Uncertain significance (2). Last evaluated 2024-09-09.

Conditions:
Developmental and epileptic encephalopathy, 32 (DEE32). Also called: Epileptic encephalopathy, early infantile, 32. Identifiers: Orphanet 442835, MedGen C4225350, MONDO:0014607, OMIM 616366.

Allele frequency attached by ClinVar (database versions not stated): ExAC 0.00002; gnomAD exomes 0.00002; ESP Exome Variant Server 0.00008.
gnomAD v4.1: 9 of 1,614,222 alleles (0.00056%); highest among the groups gnomAD compares: Non-Finnish European, 0.00068%; no homozygotes.

Submissions (2):

Labcorp Genetics (formerly Invitae), Labcorp
Classification: Uncertain significance for Developmental and epileptic encephalopathy, 32. Last evaluated: 2024-09-09. Review status: criteria provided, single submitter. Criteria: Invitae Variant Classification Sherloc (09022015). Collection method: clinical testing. Allele origin: germline.
Comment: This sequence change replaces methionine, which is neutral and non-polar, with valine, which is neutral and non-polar, at codon 459 of the KCNA2 protein (p.Met459Val). This variant is present in population databases (rs371146552, gnomAD 0.004%). This variant has not been reported in the literature in individuals affected with KCNA2-related conditions. ClinVar contains an entry for this variant (Variation ID: 1341871). Invitae Evidence Modeling of protein sequence and biophysical properties (such as structural, functional, and spatial information, amino acid conservation, physicochemical variation, residue mobility, and thermodynamic stability) indicates that this missense variant is not expected to disrupt KCNA2 protein function with a negative predictive value of 95%. In summary, the available evidence is currently insufficient to determine the role of this variant in disease. Therefore, it has been classified as a Variant of Uncertain Significance.

New York Genome Center
Classification: Uncertain significance for Developmental and epileptic encephalopathy, 32. Last evaluated: 2021-02-23. Review status: criteria provided, single submitter. Criteria: NYGC Assertion Criteria 2020. Collection method: clinical testing. Allele origin: inherited. Observed: 1 heterozygote. Study: CSER-NYCKidSeq.
Comment: The inherited c.1375A>G, p.Met459Val missense variant identified in the KCNA2 gene has not been reported in the literature. This variant is absent in the gnomAD v3.1database, indicating this is a rare allele. In silico analysis predicts conflicting effect of pathogenicity [PMID:27268795] andt he position is not strongly conserved (GERP++ = 5.23). Based on the available evidence, the missense variant c.1375A>G, p.Met459Valin the KCNA2 gene is classified as a Variant of Uncertain Significance.

NM_004974.4(KCNA2):c.1375A>G (p.Met459Val)

Gene: KCNA2 (potassium voltage-gated channel subfamily A member 2; minus strand). Cytogenetic location: 1p13.3.
Variant type: single nucleotide variant.
Coding change: c.1375A>G on transcript NM_004974.4 (MANE Select); coding-DNA position 1375, A replaced by G.
Protein change: p.Met459Val; replaces methionine 459 with valine.
Molecular consequence: missense variant. On other transcripts: intron variant (1).
Genome position (GRCh38, 1-based): chr1:110,603,408, T>C on the plus strand (A>G on the coding strand, the complement: KCNA2 is on the minus strand). VCF-style: chr1-110603408-T-C. GRCh37 (hg19) VCF-style: chr1-111146030-T-C.
Other names: c.894+481A>G (NM_001204269.2); short protein forms M459V.
Identifiers: ClinVar variation 1341871 (VCV001341871.3), dbSNP rs371146552, ClinGen allele CA1000632.